The following is an entry in ClinVar:

NM_000507.4(FBP1):c.778G>A (p.Gly260Arg)

Gene: FBP1 (fructose-bisphosphatase 1; minus strand). Cytogenetic location: 9q22.32.
Variant type: single nucleotide variant.
Coding change: c.778G>A on transcript NM_000507.4 (MANE Select); coding-DNA position 778, G replaced by A.
Protein change: p.Gly260Arg; replaces glycine 260 with arginine.
Molecular consequence: missense variant.
Genome position (GRCh38, 1-based): chr9:94,605,504, C>T on the plus strand (G>A on the coding strand, the complement: FBP1 is on the minus strand). VCF-style: chr9-94605504-C-T. GRCh37 (hg19) VCF-style: chr9-97367786-C-T.
Other names: c.778G>A, p.Gly260Arg (NM_001127628.2); short protein forms G260R.
Identifiers: ClinVar variation 561989 (VCV000561989.14), dbSNP rs780803192, ClinGen allele CA5136127.

ClinVar aggregate classification (germline): Pathogenic/Likely pathogenic. Review status: criteria provided, multiple submitters, no conflicts (2 of 4 stars). 8 submissions from 8 submitters: Pathogenic (5); Likely pathogenic (2). 1 of the submissions does not count toward it. Last evaluated 2025-07-28.

Conditions:
Fructose-biphosphatase deficiency (FBP1D). Also called: Fructose-1,6-Bisphosphatase 1 Deficiency; Fructose 1,6 Bisphosphatase Deficiency; Fructose-1,6-Diphosphatase Deficiency. Identifiers: Orphanet 348, MedGen C0016756, MONDO:0009251, OMIM 229700.
FBP1-related disorder. Also called: FBP1-related condition.

Allele frequency attached by ClinVar (database versions not stated): ExAC 0.00001; gnomAD exomes below 0.00001 and 0.00001; TOPMed 0.00001.
gnomAD v4.1: 7 of 1,614,008 alleles (0.00043%); highest among the groups gnomAD compares: East Asian, 0.0022%; no homozygotes.

Submissions (8):

GeneDx
Classification: Pathogenic. Last evaluated: 2025-07-28. Review status: criteria provided, single submitter. Criteria: GeneDx Variant Classification Process June 2021. Collection method: clinical testing. Allele origin: germline. Affected: yes.
Comment: Published functional studies demonstrate that the variant significantly damages enzymatic activity (PMID: 38349431, 28720574); In silico analysis supports that this missense variant has a deleterious effect on protein structure/function; This variant is associated with the following publications: (PMID: 31589614, 31584309, 34363022, 32754266, 25043030, 31938049, 34854226, 31761563, 37507476, 39693295, 10913263, 30201002, 29774539, 34687058, 29203193, 33083013, 38349431, 28720574, 20151204, 10234608)

Women's Health and Genetics/Laboratory Corporation of America, LabCorp
Classification: Pathogenic for Fructose-biphosphatase deficiency. Last evaluated: 2024-10-09. Review status: criteria provided, single submitter. Criteria: LabCorp Variant Classification Summary - May 2015. Collection method: clinical testing. Allele origin: germline.
Comment: Variant summary: FBP1 c.778G>A (p.Gly260Arg) results in a non-conservative amino acid change located in the Fructose-1-6-bisphosphatase class 1, C-terminal domain (IPR044015) of the encoded protein sequence. Five of five in-silico tools predict a damaging effect of the variant on protein function. The variant allele was found at a frequency of 8e-06 in 251356 control chromosomes. c.778G>A has been reported in the literature in homozygous individuals affected with Fructose-biphosphatase deficiency (e.g. Herzog_1999, Bhai_2018). These data indicate that the variant is likely to be associated with disease. At least one publication reports experimental evidence evaluating an impact on protein function. The most pronounced variant effect results in undetectable fructose-1,6-bisphosphatase activity in transfected COS-1 cells (Herzog_1999). The following publications have been ascertained in the context of this evaluation (PMID: 29774539, 33083013, 10234608). ClinVar contains an entry for this variant (Variation ID: 561989). Based on the evidence outlined above, the variant was classified as pathogenic.

Labcorp Genetics (formerly Invitae), Labcorp
Classification: Pathogenic for Fructose-biphosphatase deficiency. Last evaluated: 2023-06-17. Review status: criteria provided, single submitter. Criteria: Invitae Variant Classification Sherloc (09022015). Collection method: clinical testing. Allele origin: germline.
Comment: This sequence change replaces glycine, which is neutral and non-polar, with arginine, which is basic and polar, at codon 260 of the FBP1 protein (p.Gly260Arg). For these reasons, this variant has been classified as Pathogenic. Experimental studies have shown that this missense change affects FBP1 function (PMID: 10234608). Advanced modeling of protein sequence and biophysical properties (such as structural, functional, and spatial information, amino acid conservation, physicochemical variation, residue mobility, and thermodynamic stability) performed at Invitae indicates that this missense variant is expected to disrupt FBP1 protein function. ClinVar contains an entry for this variant (Variation ID: 561989). This variant is also known as G-to-A transition at position G778 in exon 6; G261A. This missense change has been observed in individual(s) with fructose-1,6-bisphosphatase deficiency (PMID: 10234608, 20151204). This variant is present in population databases (rs780803192, gnomAD 0.006%).

Center for Molecular Medicine, Children’s Hospital of Fudan University
Classification: Likely pathogenic for Fructose-biphosphatase deficiency. Last evaluated: 2022-12-21. Review status: criteria provided, single submitter. Criteria: ACMG Guidelines, 2015. Collection method: clinical testing. Allele origin: maternal. Affected: yes. Observed: 1 variant allele.

Institute of Medical Genetics and Genomics, Sir Ganga Ram Hospital
Classification: Pathogenic for Fructose-biphosphatase deficiency. Last evaluated: 2014-07-12. Review status: criteria provided, single submitter. Criteria: Submitterâ€™s publication. Collection method: clinical testing. Allele origin: inherited. Affected: yes. Observed: 1 variant allele.

CENTOGENE GmbH and LLC - Guiding Precision Medicine
Classification: Pathogenic for Fructose-1,6-bisphosphatase deficiency. Review status: criteria provided, single submitter. Criteria: ACMG Guidelines, 2015. Collection method: clinical testing. Allele origin: germline. Affected: yes.

Lifecell International Pvt. Ltd
Classification: Likely pathogenic for Fructose-biphosphatase deficiency. Review status: criteria provided, single submitter. Criteria: ACMG Guidelines, 2015. Collection method: clinical testing. Allele origin: germline. Inheritance: Autosomal recessive inheritance. Affected: yes. Observed: 1 homozygote.
Comment: A Homozygote Missense variant c.778G>A in Exon 6 of the FBP1 gene that results in the amino acid substitution p.Gly260Arg was identified. The observed variant has a minor allele frequency of 0.00001% in gnomAD exomes and genomes, respectively. The severity of the impact of this variant on the protein is high, based on the effect of the protein and REVEL score. Rare Exome Variant Ensemble Learner (REVEL) is an ensembl method for predicting the pathogenicity of missense variants based on a combination of scores from 13 individual tools: MutPred, FATHMM v2.3, VEST 3.0, PolyPhen-2, SIFT, PROVEAN, MutationAssessor, MutationTaster, LRT, GERP++, SiPhy, phyloP, and phastCons. The REVEL score for an individual missense variant can range from 0 to 1, with higher scores reflecting greater likelihood that the variant is disease-causing. The variant has been reported to ClinVar as Pathogenic with a status of (2 stars) criteria provided, multiple submitters, no conflicts (Variation ID 561989 as of 2020-07-25). The same variant has been previously documented in patients affected with Fructose-1, 6 Bisphosphatase Deficiency (Yasir Zahoor, Muhammad et al., 2020). Based on the above evidence this variant has been classified as Likely Pathogenic according to the ACMG guidelines.

PreventionGenetics, part of Exact Sciences
Classification: Pathogenic for FBP1-related condition. Last evaluated: 2023-11-09. Review status: no assertion criteria provided. Collection method: clinical testing. Allele origin: germline. Not counted in ClinVar's aggregate classification.
Comment: The FBP1 c.778G>A variant is predicted to result in the amino acid substitution p.Gly260Arg. This variant has been reported in the compound heterozygous and homozygous state in multiple individuals with features consistent with fructose-1,6-bisphosphatase deficiency (see for example, Table 1, Moey et al. 2017. PubMed ID: 29203193; Figure 2, Yasir Zahoor et al. 2019. PubMed ID: 31584309; Table 1, Gorce et al. 2021. PubMed ID: 34687058). In at least one patient, clinical and biochemical findings were consistent with the disease (Patient 3, Moey et al. 2017. PubMed ID: 29203193). In vitro functional characterization showed that this variant leads to undetectable enzyme levels (Herzog et al. 1999. PubMed ID: 10234608). This variant is reported in 0.0054% of alleles in individuals of East Asian descent in gnomAD. This variant is interpreted as pathogenic.

Literature cited by the submitters: PubMed 33083013 (cited by Women's Health and Genetics/Laboratory Corporation of America, LabCorp); PubMed 29774539 (cited by Women's Health and Genetics/Laboratory Corporation of America, LabCorp); PubMed 10234608 (cited by Women's Health and Genetics/Laboratory Corporation of America, LabCorp and Labcorp Genetics (formerly Invitae), Labcorp); PubMed 20151204 (cited by Labcorp Genetics (formerly Invitae), Labcorp); PubMed 31584309 (cited by Lifecell International Pvt. Ltd).